The following is an entry in ClinVar:

NM_000355.4(TCN2):c.185G>A (p.Ser62Asn)

Gene: TCN2 (transcobalamin 2; plus strand). Cytogenetic location: 22q12.2.
Variant type: single nucleotide variant.
Coding change: c.185G>A on transcript NM_000355.4 (MANE Select); coding-DNA position 185, G replaced by A.
Protein change: p.Ser62Asn; replaces serine 62 with asparagine.
Molecular consequence: missense variant.
Genome position (GRCh38, 1-based): chr22:30,610,991, G>A. VCF-style: chr22-30610991-G-A. GRCh37 (hg19) VCF-style: chr22-31006978-G-A.
Other names: c.185G>A, p.Ser62Asn (NM_001184726.2); short protein forms S62N.
Identifiers: ClinVar variation 3366479 (VCV003366479.2).

ClinVar aggregate classification (germline): Uncertain significance. Review status: criteria provided, multiple submitters, no conflicts (2 of 4 stars). 2 submissions from 2 submitters: Uncertain significance (2). Last evaluated 2024-08-06.

Submissions (2):

Women's Health and Genetics/Laboratory Corporation of America, LabCorp
Classification: Uncertain significance. Last evaluated: 2024-08-06. Review status: criteria provided, single submitter. Criteria: LabCorp Variant Classification Summary - May 2015. Collection method: clinical testing. Allele origin: germline.
Comment: Variant summary: TCN2 c.185G>A (p.Ser62Asn) results in a conservative amino acid change in the encoded protein sequence. Four of five in-silico tools predict a benign effect of the variant on protein function. The variant allele was found at a frequency of 2e-05 in 251470 control chromosomes. The available data on variant occurrences in the general population are insufficient to allow any conclusion about variant significance. c.185G>A has been reported in the literature in one individual affected with Autism Spectrum Disorder, co-occurring with other pathogenic variant(s) (CACNA1A c.1638C>G, p.Tyr546Ter) (Arteche-Lpez_2021). These report(s) do not provide unequivocal conclusions about association of the variant with Transcobalamin II Deficiency. To our knowledge, no experimental evidence demonstrating an impact on protein function has been reported. The following publication has been ascertained in the context of this evaluation (PMID: 33921431). No submitters have cited clinical-significance assessments for this variant to ClinVar. Based on the evidence outlined above, the variant was classified as uncertain significance.

Blueprint Genetics
Classification: Uncertain significance. Last evaluated: 2023-05-19. Review status: criteria provided, single submitter. Criteria: ACMG Guidelines, 2015. Collection method: clinical testing. Allele origin: germline.

Literature cited by the submitters: PubMed 33921431 (cited by Women's Health and Genetics/Laboratory Corporation of America, LabCorp).